The following is an entry in ClinVar:

ClinVar aggregate classification (germline): Uncertain significance (1 of 4 stars; one submission).

Submission:

CeGaT Center for Human Genetics Tuebingen
Classification: Uncertain significance. Last evaluated: 2024-07-01. Review status: criteria provided, single submitter. Criteria: CeGaT Center For Human Genetics Tuebingen Variant Classification Criteria Version 2. Collection method: clinical testing. Allele origin: germline. Affected: yes. Observed: 1 variant allele.
Comment: SETBP1: PM2, BP4

NM_015559.3(SETBP1):c.80C>T (p.Pro27Leu)

Gene: SETBP1 (SET binding protein 1; plus strand). Cytogenetic location: 18q12.3.
Variant type: single nucleotide variant.
Coding change: c.80C>T on transcript NM_015559.3 (MANE Select); coding-DNA position 80, C replaced by T.
Protein change: p.Pro27Leu; replaces proline 27 with leucine.
Molecular consequence: missense variant.
Genome position (GRCh38, 1-based): chr18:44,701,426, C>T. VCF-style: chr18-44701426-C-T. GRCh37 (hg19) VCF-style: chr18-42281391-C-T.
Other names: c.80C>T, p.Pro27Leu (NM_001130110.2, NM_001379141.1, NM_001379142.1 and 1 more transcripts); short protein forms P27L.
Identifiers: ClinVar variation 3257360 (VCV003257360.17).
Genomic context (GRCh38, chr18:44,701,426, plus strand): 5'-TAAGCAGCTCCCGGCAAAGAGGGGGCGAGTCAGACTTCCTGCCGGTCTCCTCAGCCAAGC[C>T]CCCAGCTGCTCCTGGCTGTGCAGGAGAACCTTTGCTCTCCACTCCAGGACCTGGGAAGGG-3'
Protein context (NP_056374.2, residues 17-37): SDFLPVSSAK[Pro27Leu]PAAPGCAGEP